The following is an entry in ClinVar:

ClinVar aggregate classification (germline): Benign (1 of 4 stars; one submission).

Allele frequency attached by ClinVar (database versions not stated): 1000 Genomes Project 30x 0.30840; 1000 Genomes Project 0.31270; TOPMed 0.32107; gnomAD 0.32125 and 0.32559.

Submission:

GeneDx
Classification: Benign. Last evaluated: 2018-06-14. Review status: criteria provided, single submitter. Criteria: GeneDx Variant Classification (06012015). Collection method: clinical testing. Allele origin: germline. Affected: yes.
Comment: This variant is considered likely benign or benign based on one or more of the following criteria: it is a conservative change, it occurs at a poorly conserved position in the protein, it is predicted to be benign by multiple in silico algorithms, and/or has population frequency not consistent with disease.

NM_000346.4(SOX9):c.432-161G>A

Genes: SOX9 (SRY-box transcription factor 9; plus strand), LOC108021846 (SOX9 promoter region; plus strand). Cytogenetic location: 17q24.3.
Variant type: single nucleotide variant.
Coding change: c.432-161G>A on transcript NM_000346.4 (MANE Select); 161 bases into the intron before coding-DNA position 432, G replaced by A.
Molecular consequence: intron variant.
Genome position (GRCh38, 1-based): chr17:72,122,558, G>A. VCF-style: chr17-72122558-G-A. GRCh37 (hg19) VCF-style: chr17-70118699-G-A.
Identifiers: ClinVar variation 667624 (VCV000667624.1), dbSNP rs35126550, ClinGen allele CA14409818.